The following is an entry in ClinVar:

NM_000146.4(FTL):c.249+4A>G

Gene: FTL (ferritin light chain; plus strand). Cytogenetic location: 19q13.33.
Variant type: single nucleotide variant.
Coding change: c.249+4A>G on transcript NM_000146.4 (MANE Select); 4 bases into the intron after coding-DNA position 249, A replaced by G.
Molecular consequence: intron variant.
Genome position (GRCh38, 1-based): chr19:48,965,920, A>G. VCF-style: chr19-48965920-A-G. GRCh37 (hg19) VCF-style: chr19-49469177-A-G.
Other names: p.?.
Identifiers: ClinVar variation 2936490 (VCV002936490.4), dbSNP rs544433190, ClinGen allele CA9562479.

ClinVar aggregate classification (germline): Likely benign. Review status: criteria provided, multiple submitters, no conflicts (2 of 4 stars). 2 submissions from 2 submitters: Likely benign (2). Last evaluated 2025-10-10.

Conditions:
Hereditary hyperferritinemia with congenital cataracts. Also called: Hereditary hyperferritinemia cataract syndrome; Bonneau-Beaumont syndrome; HYPERFERRITINEMIA WITH OR WITHOUT CATARACT. Identifiers: Orphanet 163, MedGen C1833213, MONDO:0010952, OMIM 600886.
Neuroferritinopathy (NBIA3). Also called: NEURODEGENERATION WITH BRAIN IRON ACCUMULATION 3; BASAL GANGLIA DISEASE, ADULT-ONSET. Identifiers: Orphanet 157846, MedGen C1853578, MONDO:0011638, OMIM 606159.

Allele frequency attached by ClinVar (database versions not stated): 1000 Genomes Project 30x 0.00016; ExAC 0.00019; TOPMed 0.00001; gnomAD 0.00005; gnomAD exomes 0.00008; 1000 Genomes Project 0.00020.
gnomAD v4.1: 132 of 1,614,056 alleles (0.0082%); highest among the groups gnomAD compares: South Asian, 0.13%; 3 homozygotes.

Submissions (2):

Mayo Clinic Laboratories, Mayo Clinic
Classification: Likely benign. Last evaluated: 2025-10-10. Review status: criteria provided, single submitter. Criteria: ACMG Guidelines, 2015. Collection method: clinical testing. Allele origin: germline. Observed: 1 variant allele.
Comment: BS1, BP4, BP7

Labcorp Genetics (formerly Invitae), Labcorp
Classification: Likely benign for Neuroferritinopathy; Hereditary hyperferritinemia with congenital cataracts. Last evaluated: 2024-04-05. Review status: criteria provided, single submitter. Criteria: Invitae Variant Classification Sherloc (09022015). Collection method: clinical testing. Allele origin: germline.